The following is an entry in ClinVar:

NM_005422.4(TECTA):c.298T>C (p.Trp100Arg)

Genes: TBCEL-TECTA (TBCEL-TECTA readthrough; plus strand), TECTA (tectorin alpha; plus strand). Cytogenetic location: 11q23.3.
Variant type: single nucleotide variant.
Coding change: c.298T>C on transcript NM_005422.4 (MANE Select); coding-DNA position 298, T replaced by C.
Protein change: p.Trp100Arg; replaces tryptophan 100 with arginine.
Molecular consequence: missense variant.
Genome position (GRCh38, 1-based): chr11:121,109,310, T>C. VCF-style: chr11-121109310-T-C. GRCh37 (hg19) VCF-style: chr11-120980019-T-C.
Other names: c.1255T>C, p.Trp419Arg (NM_001378761.1); short protein forms W100R, W419R.
Identifiers: ClinVar variation 3347029 (VCV003347029.2).

ClinVar aggregate classification (germline): Uncertain significance (1 of 4 stars; one submission).

Conditions:
TECTA-related disorder. Also called: TECTA-related condition.

Submission:

PreventionGenetics, part of Exact Sciences
Classification: Uncertain significance for TECTA-related condition. Last evaluated: 2024-11-26. Review status: criteria provided, single submitter. Criteria: ACMG Guidelines, 2015. Collection method: clinical testing. Allele origin: germline.
Comment: The TECTA c.298T>C variant is predicted to result in the amino acid substitution p.Trp100Arg. To our knowledge, this variant has not been reported in the literature or in a large population database, indicating this variant is rare. At this time, the clinical significance of this variant is uncertain due to the absence of conclusive functional and genetic evidence.